The following is an entry in ClinVar:

NM_007327.4(GRIN1):c.2443G>A (p.Gly815Arg)

Gene: GRIN1 (glutamate ionotropic receptor NMDA type subunit 1; plus strand). Cytogenetic location: 9q34.3.
Variant type: single nucleotide variant.
Coding change: c.2443G>A on transcript NM_007327.4 (MANE Select); coding-DNA position 2443, G replaced by A.
Protein change: p.Gly815Arg; replaces glycine 815 with arginine.
Molecular consequence: missense variant.
Genome position (GRCh38, 1-based): chr9:137,163,668, G>A. VCF-style: chr9-137163668-G-A. GRCh37 (hg19) VCF-style: chr9-140058120-G-A.
Other names: c.2443G>A, p.Gly815Arg (NM_000832.7, NM_021569.4); c.2506G>A, p.Gly836Arg (NM_001185090.2, NM_001185091.2); short protein forms G815R, G836R.
Identifiers: ClinVar variation 208743 (VCV000208743.10), dbSNP rs797044925, ClinGen allele CA204805.
Genomic context (GRCh38, chr9:137,163,668, plus strand): 5'-TATCAGGAATGTGACTCGCGCAGCAACGCCCCTGCGACCCTTACTTTTGAGAACATGGCC[G>A]GTGCGTTCTCCTTCATCCATTCTCGGGTGGGTTCTCCGTGGGCTGCGGCCTCCCTGGCCA-3'
Protein context (NP_015566.1, residues 805-825): PATLTFENMA[Gly815Arg]VFMLVAGGIV

ClinVar aggregate classification (germline): Pathogenic. Review status: criteria provided, multiple submitters, no conflicts (2 of 4 stars). 5 submissions from 5 submitters: Pathogenic (5). Last evaluated 2025-06-11.

Conditions:
Inborn genetic diseases. Identifiers: MedGen C0950123, MeSH D030342.
GRIN1-related disorder. Also called: GRIN1-related condition.
Neurodevelopmental disorder with or without hyperkinetic movements and seizures, autosomal dominant. Also called: Intellectual disability, autosomal dominant 8. Identifiers: MedGen C3280282, MONDO:0013655, OMIM 614254.

Submissions (5):

3billion
Classification: Pathogenic for Neurodevelopmental disorder with or without hyperkinetic movements and seizures, autosomal dominant. Last evaluated: 2025-06-11. Review status: criteria provided, single submitter. Criteria: ACMG Guidelines, 2015. Collection method: clinical testing. Allele origin: germline. Affected: yes.
Comment: The variant is not observed in the gnomAD v4.1.0 dataset. Predicted Consequence/Location: The variant is located in a mutational hot spot and/or well-established functional domain in which established pathogenic variants have been reported (PMID: 33252190). Missense variant. Missense changes are a common disease-causing mechanism. In silico tool predictions suggest damaging effect of the variant on gene or gene product [REVEL: 0.77 (>=0.6, sensitivity 0.68 and specificity 0.92); 3Cnet: 0.99 (> 0.75, sensitivity 0.96 and precision 0.92)]. The same nucleotide change resulting in the same amino acid change has been previously reported as pathogenic/likely pathogenic with strong evidence (ClinVar ID: VCV000208743 /PMID: 25864721). Different missense changes at the same codon (p.Gly815Trp, p.Gly815Val) have been reported to be associated with GRIN1-related disorder (ClinVar ID: VCV001187868 /PMID: 27164704). However the evidence of pathogenicity is insufficient at this time. Therefore, this variant is classified as Pathogenic according to the recommendation of ACMG/AMP guideline.

Labcorp Genetics (formerly Invitae), Labcorp
Classification: Pathogenic for Neurodevelopmental disorder with or without hyperkinetic movements and seizures, autosomal dominant. Last evaluated: 2025-04-14. Review status: criteria provided, single submitter. Criteria: Invitae Variant Classification Sherloc (09022015). Collection method: clinical testing. Allele origin: germline.
Comment: This sequence change replaces glycine, which is neutral and non-polar, with arginine, which is basic and polar, at codon 815 of the GRIN1 protein (p.Gly815Arg). This variant also falls at the last nucleotide of exon 17, which is part of the consensus splice site for this exon. This variant is not present in population databases (gnomAD no frequency). This missense change has been observed in individual(s) with GRIN1-related conditions (PMID: 25864721, 27164704, 32827528). In at least one individual the variant was observed to be de novo. ClinVar contains an entry for this variant (Variation ID: 208743). An algorithm developed to predict the effect of missense changes on protein structure and function (PolyPhen-2) suggests that this variant is likely to be disruptive. Variants that disrupt the consensus splice site are a relatively common cause of aberrant splicing (PMID: 17576681, 9536098). Algorithms developed to predict the effect of sequence changes on RNA splicing suggest that this variant may disrupt the consensus splice site. For these reasons, this variant has been classified as Pathogenic.

GeneDx
Classification: Pathogenic. Last evaluated: 2024-01-08. Review status: criteria provided, single submitter. Criteria: GeneDx Variant Classification Process June 2021. Collection method: clinical testing. Allele origin: germline. Affected: yes.
Comment: Published functional studies demonstrate a damaging effect: reducing the maximal agonist-inducible current and the affinity for glutamate and glycine of the GluN1-GluN2 ion channel (PMID: 27164704); In silico analysis supports that this missense variant has a deleterious effect on protein structure/function; Not observed at significant frequency in large population cohorts (gnomAD); This variant is associated with the following publications: (PMID: 29124671, 32827528, 33726816, 31175295, 30217972, 33490948, Moody2022[Preprint], 33823469, 29895856, 32712275, 31176596, 27164704, 25356970, 29720203, 26795593)

PreventionGenetics, part of Exact Sciences
Classification: Pathogenic for GRIN1-related condition. Last evaluated: 2023-08-28. Review status: criteria provided, single submitter. Criteria: ACMG Guidelines, 2015. Collection method: clinical testing. Allele origin: germline.
Comment: The GRIN1 c.2443G>A variant is predicted to result in the amino acid substitution p.Gly815Arg. This variant was reported in multiple individuals with epilepsy; in at least four cases this variant was established as de novo (Helbig et al. 2016. PubMed ID: 26795593, supplementary data; Farwell et al. 2014. PubMed ID: 25356970, supplementary data; Naess et al. 2020. PubMed ID: 32827528; Stranneheim et al. 2021. PubMed ID: 33726816, Table S7). This variant has not been reported in a large population database, indicating this variant is rare. This variant is interpreted as pathogenic.

Ambry Genetics
Classification: Pathogenic for Inborn genetic diseases. Last evaluated: 2013-12-27. Review status: criteria provided, single submitter. Criteria: Ambry Autosomal Dominant and X-Linked criteria (10/2015). Collection method: clinical testing. Allele origin: germline. Observed: 1 variant allele.

Literature cited by the submitters: PubMed 27164704 (cited by 3billion and Labcorp Genetics (formerly Invitae), Labcorp); PubMed 25864721 (cited by 3billion and Labcorp Genetics (formerly Invitae), Labcorp); PubMed 32827528 (cited by Labcorp Genetics (formerly Invitae), Labcorp); PubMed 17576681 (cited by Labcorp Genetics (formerly Invitae), Labcorp); PubMed 9536098 (cited by Labcorp Genetics (formerly Invitae), Labcorp).